The following is an entry in ClinVar:

NM_213653.4(HJV):c.964C>A (p.Pro322Thr)

Gene: HJV (hemojuvelin BMP co-receptor; minus strand). Cytogenetic location: 1q21.1.
Variant type: single nucleotide variant.
Coding change: c.964C>A on transcript NM_213653.4 (MANE Select); coding-DNA position 964, C replaced by A.
Protein change: p.Pro322Thr; replaces proline 322 with threonine.
Molecular consequence: missense variant.
Genome position (GRCh38, 1-based): chr1:146,018,394, G>T on the plus strand (C>A on the coding strand, the complement: HJV is on the minus strand). VCF-style: chr1-146018394-G-T. GRCh37 (hg19) VCF-style: chr1-145416619-C-A.
Other names: c.286C>A, p.Pro96Thr (NM_001316767.2, NM_202004.4, NM_213652.4); c.964C>A, p.Pro322Thr (NM_001379352.1); c.625C>A, p.Pro209Thr (NM_145277.5); c.964C>A (NM_213653.3); short protein forms P96T, P209T, P322T.
Identifiers: ClinVar variation 1410522 (VCV001410522.9), dbSNP rs1652470676, ClinGen allele CA342135033.

ClinVar aggregate classification (germline): Uncertain significance. Review status: criteria provided, single submitter (1 of 4 stars). 2 submissions from 2 submitters: Uncertain significance (1). 1 of the submissions does not count toward it. Last evaluated 2021-04-16.

Conditions:
Hemochromatosis type 2A (HFE2A). Also called: HJV (HFE2)-Related Juvenile Hemochromatosis; Adult-Onset Hemochromatosis. Identifiers: Orphanet 79230, MedGen C1865614, MONDO:0011216, OMIM 602390.

Allele frequency attached by ClinVar (database versions not stated): gnomAD 0.00001.
gnomAD v4.1: 1 of 1,614,014 alleles (0.000062%); highest among the groups gnomAD compares: Admixed American, 0.0017%; no homozygotes.

Submissions (2):

Labcorp Genetics (formerly Invitae), Labcorp
Classification: Uncertain significance. Last evaluated: 2021-04-16. Review status: criteria provided, single submitter. Criteria: Invitae Variant Classification Sherloc (09022015). Collection method: clinical testing. Allele origin: germline.
Comment: In summary, the available evidence is currently insufficient to determine the role of this variant in disease. Therefore, it has been classified as a Variant of Uncertain Significance. Algorithms developed to predict the effect of missense changes on protein structure and function are either unavailable or do not agree on the potential impact of this missense change (SIFT: "Tolerated"; PolyPhen-2: "Probably Damaging"; Align-GVGD: "Class C0"). This variant has not been reported in the literature in individuals with HJV-related conditions. This variant is not present in population databases (ExAC no frequency). This sequence change replaces proline with threonine at codon 322 of the HJV protein (p.Pro322Thr). The proline residue is highly conserved and there is a small physicochemical difference between proline and threonine.

Natera, Inc.
Classification: Uncertain significance for Hemochromatosis type 2A. Last evaluated: 2025-02-03. Review status: no assertion criteria provided. Collection method: clinical testing. Allele origin: germline. Not counted in ClinVar's aggregate classification.